The following is an entry in ClinVar:

ClinVar aggregate classification (germline): Uncertain significance (1 of 4 stars; one submission).

Conditions:
Hereditary cancer-predisposing syndrome. Also called: Tumor predisposition; Hereditary neoplastic syndrome; Hereditary Cancer Syndrome; Neoplastic Syndromes, Hereditary. Identifiers: Orphanet 140162, MedGen C0027672, MeSH D009386, MONDO:0015356.

Submission:

Ambry Genetics
Classification: Uncertain significance for Hereditary cancer-predisposing syndrome. Last evaluated: 2023-10-06. Review status: criteria provided, single submitter. Criteria: Ambry Variant Classification Scheme 2023. Collection method: clinical testing. Allele origin: germline.
Comment: The p.Q156E variant (also known as c.466C>G), located in coding exon 3 of the PHOX2B gene, results from a C to G substitution at nucleotide position 466. The glutamine at codon 156 is replaced by glutamic acid, an amino acid with highly similar properties. This amino acid position is conserved. In addition, the in silico prediction for this alteration is inconclusive. Since supporting evidence is limited at this time, the clinical significance of this alteration remains unclear.

NM_003924.4(PHOX2B):c.466C>G (p.Gln156Glu)

Gene: PHOX2B (paired like homeobox 2B; minus strand). Cytogenetic location: 4p13.
Variant type: single nucleotide variant.
Coding change: c.466C>G on transcript NM_003924.4 (MANE Select); coding-DNA position 466, C replaced by G.
Protein change: p.Gln156Glu; replaces glutamine 156 with glutamic acid.
Molecular consequence: missense variant.
Genome position (GRCh38, 1-based): chr4:41,746,286, G>C on the plus strand (C>G on the coding strand, the complement: PHOX2B is on the minus strand). VCF-style: chr4-41746286-G-C. GRCh37 (hg19) VCF-style: chr4-41748303-G-C.
Other names: short protein forms Q156E.
Identifiers: ClinVar variation 3223587 (VCV003223587.1), dbSNP rs2552096903, ClinGen allele CA356738714.